The following is an entry in ClinVar:

NM_002474.3(MYH11):c.466G>A (p.Ala156Thr)

Gene: MYH11 (myosin heavy chain 11; minus strand). Cytogenetic location: 16p13.11.
Variant type: single nucleotide variant.
Coding change: c.466G>A on transcript NM_002474.3 (MANE Select); coding-DNA position 466, G replaced by A.
Protein change: p.Ala156Thr; replaces alanine 156 with threonine.
Molecular consequence: missense variant.
Genome position (GRCh38, 1-based): chr16:15,823,291, C>T on the plus strand (G>A on the coding strand, the complement: MYH11 is on the minus strand). VCF-style: chr16-15823291-C-T. GRCh37 (hg19) VCF-style: chr16-15917148-C-T.
Other names: c.466G>A, p.Ala156Thr (NM_001040113.2, NM_001040114.2, NM_022844.3); short protein forms A156T.
Identifiers: ClinVar variation 4795528 (VCV004795528.2).

ClinVar aggregate classification (germline): Conflicting classifications of pathogenicity. Review status: criteria provided, conflicting classifications (1 of 4 stars). 2 submissions from 2 submitters: Uncertain significance (1); Likely benign (1). Last evaluated 2025-08-04.

Submissions (2):

GeneDx
Classification: Uncertain significance. Last evaluated: 2025-08-04. Review status: criteria provided, single submitter. Criteria: GeneDx Variant Classification Process June 2021. Collection method: clinical testing. Allele origin: germline. Affected: yes.
Comment: Not observed at significant frequency in large population cohorts (gnomAD); In silico analysis supports that this missense variant has a deleterious effect on protein structure/function; Has not been previously published as pathogenic or benign to our knowledge

Blueprint Genetics
Classification: Likely benign. Last evaluated: 2024-11-18. Review status: criteria provided, single submitter. Criteria: ACMG Guidelines, 2015. Collection method: clinical testing. Allele origin: germline.